The following is an entry in ClinVar:

NM_005751.5(AKAP9):c.7573A>G (p.Met2525Val)

Gene: AKAP9 (A-kinase anchoring protein 9; plus strand). Cytogenetic location: 7q21.2.
Variant type: single nucleotide variant.
Coding change: c.7573A>G on transcript NM_005751.5 (MANE Select); coding-DNA position 7573, A replaced by G.
Protein change: p.Met2525Val; replaces methionine 2525 with valine.
Molecular consequence: missense variant.
Genome position (GRCh38, 1-based): chr7:92,079,706, A>G. VCF-style: chr7-92079706-A-G. GRCh37 (hg19) VCF-style: chr7-91709020-A-G.
Other names: c.2218A>G, p.Met740Val (NM_001379277.1); c.7549A>G, p.Met2517Val (NM_147185.3); short protein forms M2517V, M2525V, M740V.
Identifiers: ClinVar variation 1490850 (VCV001490850.6), dbSNP rs1220477751, ClinGen allele CA368136034.

ClinVar aggregate classification (germline): Uncertain significance (1 of 4 stars; one submission).

Conditions:
Long QT syndrome (LQTS). Identifiers: MedGen C0023976, MeSH D008133, MONDO:0002442. Disease mechanism: loss of function. Inheritance: Various modes of inheritance.

Allele frequency attached by ClinVar (database versions not stated): gnomAD exomes 0.00001.
gnomAD v4.1: 3 of 1,614,136 alleles (0.00019%); highest among the groups gnomAD compares: Admixed American, 0.005%; no homozygotes.

Submission:

Labcorp Genetics (formerly Invitae), Labcorp
Classification: Uncertain significance for Long QT syndrome. Last evaluated: 2023-10-16. Review status: criteria provided, single submitter. Criteria: Invitae Variant Classification Sherloc (09022015). Collection method: clinical testing. Allele origin: germline.
Comment: This sequence change replaces methionine, which is neutral and non-polar, with valine, which is neutral and non-polar, at codon 2525 of the AKAP9 protein (p.Met2525Val). This variant is present in population databases (no rsID available, gnomAD 0.009%). This variant has not been reported in the literature in individuals affected with AKAP9-related conditions. ClinVar contains an entry for this variant (Variation ID: 1490850). An algorithm developed to predict the effect of missense changes on protein structure and function (PolyPhen-2) suggests that this variant is likely to be tolerated. In summary, the available evidence is currently insufficient to determine the role of this variant in disease. Therefore, it has been classified as a Variant of Uncertain Significance.